The following is an entry in ClinVar:

NM_001370259.2(MEN1):c.1519G>A (p.Gly507Ser)

Gene: MEN1 (menin 1; minus strand). Cytogenetic location: 11q13.1.
Variant type: single nucleotide variant.
Coding change: c.1519G>A on transcript NM_001370259.2 (MANE Select); coding-DNA position 1519, G replaced by A.
Protein change: p.Gly507Ser; replaces glycine 507 with serine.
Molecular consequence: missense variant.
Genome position (GRCh38, 1-based): chr11:64,804,648, C>T on the plus strand (G>A on the coding strand, the complement: MEN1 is on the minus strand). VCF-style: chr11-64804648-C-T. GRCh37 (hg19) VCF-style: chr11-64572120-C-T.
Other names: c.1534G>A, p.Gly512Ser (NM_000244.4, NM_130800.3, NM_130801.3 and 3 more transcripts); c.1645G>A, p.Gly549Ser (NM_001370251.2); c.1519G>A, p.Gly507Ser (NM_001370260.2, NM_001370261.2, NM_130799.3); c.1414G>A, p.Gly472Ser (NM_001370262.2, NM_001370263.2); short protein forms G549S, G472S, G507S, G512S.
Identifiers: ClinVar variation 837457 (VCV000837457.12), dbSNP rs1423874145, ClinGen allele CA381178716.

ClinVar aggregate classification (germline): Conflicting classifications of pathogenicity. Review status: criteria provided, conflicting classifications (1 of 4 stars). 2 submissions from 2 submitters: Uncertain significance (1); Likely benign (1). Last evaluated 2025-03-30.

Conditions:
Multiple endocrine neoplasia, type 1 (MEN1). Also called: MEA I; MEN I; WERMER SYNDROME; Endocrine adenomatosis multiple; MEN 1. Identifiers: Orphanet 652, MedGen C0025267, MeSH D018761, MONDO:0007540, OMIM 131100.
Hereditary cancer-predisposing syndrome. Also called: Neoplastic Syndromes, Hereditary; Hereditary neoplastic syndrome; Tumor predisposition; Hereditary Cancer Syndrome. Identifiers: Orphanet 140162, MedGen C0027672, MeSH D009386, MONDO:0015356.

Submissions (2):

Labcorp Genetics (formerly Invitae), Labcorp
Classification: Uncertain significance for Multiple endocrine neoplasia, type 1. Last evaluated: 2025-03-30. Review status: criteria provided, single submitter. Criteria: Invitae Variant Classification Sherloc (09022015). Collection method: clinical testing. Allele origin: germline.
Comment: This sequence change replaces glycine, which is neutral and non-polar, with serine, which is neutral and polar, at codon 507 of the MEN1 protein (p.Gly507Ser). This variant is not present in population databases (gnomAD no frequency). This variant has not been reported in the literature in individuals affected with MEN1-related conditions. ClinVar contains an entry for this variant (Variation ID: 837457). Invitae Evidence Modeling of protein sequence and biophysical properties (such as structural, functional, and spatial information, amino acid conservation, physicochemical variation, residue mobility, and thermodynamic stability) indicates that this missense variant is not expected to disrupt MEN1 protein function with a negative predictive value of 95%. In summary, the available evidence is currently insufficient to determine the role of this variant in disease. Therefore, it has been classified as a Variant of Uncertain Significance.

Ambry Genetics
Classification: Likely benign for Hereditary cancer-predisposing syndrome. Last evaluated: 2021-03-12. Review status: criteria provided, single submitter. Criteria: Ambry Variant Classification Scheme 2023. Collection method: clinical testing. Allele origin: germline.